The following is an entry in ClinVar:

ClinVar aggregate classification (germline): Conflicting classifications of pathogenicity. Review status: criteria provided, conflicting classifications (1 of 4 stars). 2 submissions from 2 submitters: Uncertain significance (1); Likely benign (1). Last evaluated 2024-02-17.

Conditions:
Pyruvate carboxylase deficiency. Also called: LEIGH NECROTIZING ENCEPHALOPATHY DUE TO PYRUVATE CARBOXYLASE DEFICIENCY; LEIGH SYNDROME DUE TO PYRUVATE CARBOXYLASE DEFICIENCY; PC DEFICIENCY; Pyruvate Carboxylase Deficiency Disease; ATAXIA WITH LACTIC ACIDOSIS II. Identifiers: Orphanet 3008, MedGen C0034341, MONDO:0009949, OMIM 266150.

Allele frequency attached by ClinVar (database versions not stated): gnomAD exomes 0.00001 and 0.00002; TOPMed 0.00002; gnomAD 0.00003.
gnomAD v4.1: 36 of 1,613,760 alleles (0.0022%); highest among the groups gnomAD compares: Middle Eastern, 0.016%; no homozygotes.

Submissions (2):

Labcorp Genetics (formerly Invitae), Labcorp
Classification: Likely benign for Pyruvate carboxylase deficiency. Last evaluated: 2024-02-17. Review status: criteria provided, single submitter. Criteria: Invitae Variant Classification Sherloc (09022015). Collection method: clinical testing. Allele origin: germline.

GeneDx
Classification: Uncertain significance. Last evaluated: 2019-12-18. Review status: criteria provided, single submitter. Criteria: GeneDx Variant Classification Process June 2021. Collection method: clinical testing. Allele origin: germline. Affected: yes.
Comment: Has not been previously published as pathogenic or benign to our knowledge; Not observed at a significant frequency in large population cohorts (Lek et al., 2016); In silico analysis, which includes protein predictors and evolutionary conservation, supports that this variant does not alter protein structure/function

NM_001040716.2(PC):c.1297G>A (p.Gly433Ser)

Gene: PC (pyruvate carboxylase; minus strand). Cytogenetic location: 11q13.2.
Variant type: single nucleotide variant.
Coding change: c.1297G>A on transcript NM_001040716.2 (MANE Select); coding-DNA position 1297, G replaced by A.
Protein change: p.Gly433Ser; replaces glycine 433 with serine.
Molecular consequence: missense variant.
Genome position (GRCh38, 1-based): chr11:66,863,845, C>T on the plus strand (G>A on the coding strand, the complement: PC is on the minus strand). VCF-style: chr11-66863845-C-T. GRCh37 (hg19) VCF-style: chr11-66631316-C-T.
Other names: c.1297G>A, p.Gly433Ser (NM_000920.4, NM_022172.3); short protein forms G433S.
Identifiers: ClinVar variation 1157859 (VCV001157859.11), dbSNP rs908978048, ClinGen allele CA224087173.